The following is an entry in ClinVar:

NM_024928.5(STN1):c.361G>A (p.Glu121Lys)

Gene: STN1 (STN1 subunit of CST complex; minus strand). Cytogenetic location: 10q24.33.
Variant type: single nucleotide variant.
Coding change: c.361G>A on transcript NM_024928.5 (MANE Select); coding-DNA position 361, G replaced by A.
Protein change: p.Glu121Lys; replaces glutamic acid 121 with lysine.
Molecular consequence: missense variant.
Genome position (GRCh38, 1-based): chr10:103,900,158, C>T on the plus strand (G>A on the coding strand, the complement: STN1 is on the minus strand). VCF-style: chr10-103900158-C-T. GRCh37 (hg19) VCF-style: chr10-105659916-C-T.
Other names: short protein forms E121K.
Identifiers: ClinVar variation 777853 (VCV000777853.41), dbSNP rs145781517, ClinGen allele CA5676633.

ClinVar aggregate classification (germline): Benign/Likely benign. Review status: criteria provided, multiple submitters, no conflicts (2 of 4 stars). 3 submissions from 3 submitters: Benign (1); Likely benign (1). 1 of the submissions does not count toward it. Last evaluated 2026-07-01.

Conditions:
STN1-related disorder. Also called: STN1-related condition.

Allele frequency attached by ClinVar (database versions not stated): 1000 Genomes Project 0.00120; 1000 Genomes Project 30x 0.00125; TOPMed 0.00181; ESP Exome Variant Server 0.00215; gnomAD exomes 0.00346 and 0.00576; ExAC 0.00505; gnomAD 0.00525 and 0.00548.
gnomAD v4.1: 5,802 of 1,614,160 alleles (0.36%); highest among the groups gnomAD compares: Non-Finnish European, 0.27%; 53 homozygotes.

Submissions (3):

CeGaT Center for Human Genetics Tuebingen
Classification: Likely benign. Last evaluated: 2026-07-01. Review status: criteria provided, single submitter. Criteria: CeGaT Center For Human Genetics Tuebingen Variant Classification Criteria Version 2. Collection method: clinical testing. Allele origin: germline. Affected: yes. Observed: 20 variant alleles.
Comment: STN1: BP4, BS2

Labcorp Genetics (formerly Invitae), Labcorp
Classification: Benign. Last evaluated: 2026-02-02. Review status: criteria provided, single submitter. Criteria: Invitae Variant Classification Sherloc (09022015). Collection method: clinical testing. Allele origin: germline.

PreventionGenetics, part of Exact Sciences
Classification: Benign for STN1-related condition. Last evaluated: 2019-06-12. Review status: no assertion criteria provided. Collection method: clinical testing. Allele origin: germline. Not counted in ClinVar's aggregate classification.
Comment: This variant is classified as benign based on ACMG/AMP sequence variant interpretation guidelines (Richards et al. 2015 PMID: 25741868, with internal and published modifications).